The following is an entry in ClinVar:

ClinVar aggregate classification (germline): Uncertain significance. Review status: criteria provided, multiple submitters, no conflicts (2 of 4 stars). 3 submissions from 3 submitters: Uncertain significance (3). Last evaluated 2022-05-05.

Conditions:
Triosephosphate isomerase deficiency (TPID). Also called: Triose phosphate isomerase deficiency. Identifiers: Orphanet 868, MedGen C1860808, MONDO:0014221, OMIM 615512.

Allele frequency attached by ClinVar (database versions not stated): ExAC 0.00012; gnomAD 0.00013; gnomAD exomes 0.00013 and 0.00025; TOPMed 0.00014; ESP Exome Variant Server 0.00031.

Submissions (3):

Labcorp Genetics (formerly Invitae), Labcorp
Classification: Uncertain significance. Last evaluated: 2022-05-05. Review status: criteria provided, single submitter. Criteria: Invitae Variant Classification Sherloc (09022015). Collection method: clinical testing. Allele origin: germline.
Comment: This sequence change falls in intron 5 of the TPI1 gene. It does not directly change the encoded amino acid sequence of the TPI1 protein. It affects a nucleotide within the consensus splice site. This variant is present in population databases (rs369693539, gnomAD 0.06%). This variant has not been reported in the literature in individuals affected with TPI1-related conditions. ClinVar contains an entry for this variant (Variation ID: 310362). Variants that disrupt the consensus splice site are a relatively common cause of aberrant splicing (PMID: 17576681, 9536098). Algorithms developed to predict the effect of sequence changes on RNA splicing suggest that this variant is not likely to affect RNA splicing. In summary, the available evidence is currently insufficient to determine the role of this variant in disease. Therefore, it has been classified as a Variant of Uncertain Significance.

Mayo Clinic Laboratories, Mayo Clinic
Classification: Uncertain significance. Last evaluated: 2020-08-04. Review status: criteria provided, single submitter. Criteria: ACMG Guidelines, 2015. Collection method: clinical testing. Allele origin: germline. Observed: 1 variant allele.

Illumina Laboratory Services, Illumina
Classification: Uncertain significance for Triosephosphate isomerase deficiency. Last evaluated: 2018-01-12. Review status: criteria provided, single submitter. Criteria: ICSL Variant Classification Criteria 13 December 2019. Collection method: clinical testing. Allele origin: germline.

Literature cited by the submitters: PubMed 17576681 (cited by Labcorp Genetics (formerly Invitae), Labcorp); PubMed 9536098 (cited by Labcorp Genetics (formerly Invitae), Labcorp).

NM_000365.6(TPI1):c.543+6C>T

Gene: TPI1 (triosephosphate isomerase 1; plus strand). Cytogenetic location: 12p13.31.
Variant type: single nucleotide variant.
Coding change: c.543+6C>T on transcript NM_000365.6 (MANE Select); 6 bases into the intron after coding-DNA position 543, C replaced by T.
Molecular consequence: intron variant.
Genome position (GRCh38, 1-based): chr12:6,869,779, C>T. VCF-style: chr12-6869779-C-T. GRCh37 (hg19) VCF-style: chr12-6978943-C-T.
Other names: c.654+6C>T (NM_001159287.1); c.297+6C>T (NM_001258026.2).
Identifiers: ClinVar variation 310362 (VCV000310362.11), dbSNP rs369693539, ClinGen allele CA6418967.